The following is an entry in ClinVar:

ClinVar aggregate classification (germline): Pathogenic. Review status: criteria provided, multiple submitters, no conflicts (2 of 4 stars). 19 submissions from 19 submitters: Pathogenic (14). 5 of the submissions do not count toward it. Last evaluated 2026-04-24.

Conditions:
Gastric cancer. Also called: Stomach cancer; Malignant tumor of stomach. Identifiers: MedGen C0024623, MeSH D013274, MONDO:0001056, OMIM 613659, HP:0012126.
Hereditary cancer-predisposing syndrome. Also called: Tumor predisposition; Neoplastic Syndromes, Hereditary; Hereditary Cancer Syndrome; Hereditary neoplastic syndrome. Identifiers: Orphanet 140162, MedGen C0027672, MeSH D009386, MONDO:0015356.
Hereditary breast ovarian cancer syndrome. Also called: Hereditary breast and ovarian cancer syndrome (HBOC); Hereditary breast and ovarian cancer syndrome; Hereditary breast and ovarian cancer; Hereditary breast and/or ovarian cancer syndrome; Breast and ovarian cancer; BRCA1- and BRCA2-Associated Hereditary Breast and Ovarian Cancer. Identifiers: Orphanet 145, MedGen C0677776, MeSH D061325, MONDO:0003582. Disease mechanism: loss of function.
Breast-ovarian cancer, familial, susceptibility to, 1 (BROVCA1). Also called: OVARIAN CANCER, SUSCEPTIBILITY TO; BRCA1 Hereditary Breast and Ovarian Cancer. Identifiers: Orphanet 145, MedGen C2676676, MONDO:0011450, OMIM 604370. Disease mechanism: loss of function.
Familial cancer of breast. Also called: Hereditary breast cancer; hereditary breast carcinoma; BREAST CANCER, FAMILIAL. Identifiers: Orphanet 227535, MedGen C0346153, MONDO:0016419, OMIM 114480. Disease mechanism: loss of function.

Submissions 1 to 7 of 20:

Dasa
Classification: Pathogenic for Breast-ovarian cancer, familial, susceptibility to, 1. Last evaluated: 2026-04-24. Review status: criteria provided, single submitter. Criteria: DASA Assertion Criteria. Collection method: clinical testing. Allele origin: germline.
Comment: NM_007294.4(BRCA1):c.190T>C (p.Cys64Arg) is a missense variant that results in the substitution of cysteine with arginine. The affected residue or protein region has prior evidence supporting clinical relevance. Functional evidence supports a deleterious effect on the gene or gene product (PMID: 30209399; PMID: 19287957; PMID: 24516540; PMID: 25823446; PMID: 8875986). This variant has been recurrently observed in individuals with Breast-ovarian cancer, familial, susceptibility to, 1 (PMID: 30209399; PMID: 19287957; PMID: 24516540; PMID: 25823446; PMID: 8875986). Multiple computational predictions support a deleterious effect on the gene or gene product. The variant is present at low frequency in population datasets. Based on the available data, this variant is classified as pathogenic.

GeneDx
Classification: Pathogenic. Last evaluated: 2026-03-12. Review status: criteria provided, single submitter. Criteria: GeneDx Variant Classification Process June 2021. Collection method: clinical testing. Allele origin: germline.
Comment: This variant, reported previously as 309T>C, has been observed in many breast and/or ovarian cancer families and has been reported to be a founder variant of Italian origin (PMID: 19287957, 21042765, 27741520, 24516540, 29752822); Published functional studies, in in-vitro based assays, demonstrate the variant prevents the binding of the BRCA1 protein to the interacting BARD1 protein, disrupts homologous recombination activity, and is sensitive to ionizing radiation (PMID: 28398198, 24516540, 26246475); Not observed at significant frequency in large population cohorts (gnomAD); In silico analysis supports that this missense variant has a deleterious effect on protein structure/function; Also known as 309T>C; This variant is associated with the following publications: (PMID: 21042765, 27741520, 29752822, 35534704, 36881271, 35980532, 32741062, 19287957, 15235020, 24516540, 8875986, 26246475, 25823446, 26852130, 24556926, 27624329, 10788334, 24249303, 29907814, 28993434, 28398198, 30209399, 30702160, 30103829, 28111427, 29446198, 28176296, 30972954, 29176636, 35659930, 31825140, 35459234, 33087888, 31742824, 24389207, 20104584)

Department of Clinical Genetics, Copenhagen University Hospital, Rigshospitalet
Classification: Pathogenic for Familial cancer of breast. Last evaluated: 2025-09-11. Review status: criteria provided, single submitter. Criteria: ACMG Guidelines, 2015. Collection method: clinical testing. Allele origin: germline.
Comment: The following ACMG criteria has been used: PM2_SUP (absent in gnomad v.2.1.1 - non-cancer); PP3; PS3; PP1_Strong

Labcorp Genetics (formerly Invitae), Labcorp
Classification: Pathogenic for Hereditary breast ovarian cancer syndrome. Last evaluated: 2025-07-20. Review status: criteria provided, single submitter. Criteria: Invitae Variant Classification Sherloc (09022015). Collection method: clinical testing. Allele origin: germline.
Comment: This sequence change replaces cysteine, which is neutral and slightly polar, with arginine, which is basic and polar, at codon 64 of the BRCA1 protein (p.Cys64Arg). This variant is not present in population databases (gnomAD no frequency). This missense change has been observed in individual(s) with clinical features of BRCA1-related conditions (PMID: 8875986, 11462239, 14531499, 21042765, 24249303, 24516540, 27741520). It is commonly reported in individuals of Italian ancestry (PMID: 8875986, 11462239, 14531499, 21042765, 24249303, 24516540, 27741520). ClinVar contains an entry for this variant (Variation ID: 54394). Invitae Evidence Modeling incorporating data from in vitro experimental studies (PMID: 30209399) indicates that this missense variant is expected to disrupt BRCA1 function with a positive predictive value of 95%. Experimental studies have shown that this missense change affects BRCA1 function (PMID: 19287957, 24516540, 25823446). RNA analysis performed to evaluate the impact of this missense change on mRNA splicing indicates it does not significantly alter splicing (PMID: 24516540; internal data). This variant disrupts the p.Cys64 amino acid residue in BRCA1. Other variant(s) that disrupt this residue have been determined to be pathogenic (PMID: 9042907, 12732733, 16140926, 20103620, 23161852, 23867111, 26689913). This suggests that this residue is clinically significant, and that variants that disrupt this residue are likely to be disease-causing. For these reasons, this variant has been classified as Pathogenic.

Ambry Genetics
Classification: Pathogenic for Hereditary cancer-predisposing syndrome. Last evaluated: 2025-07-17. Review status: criteria provided, single submitter. Criteria: Ambry Variant Classification Scheme 2023. Collection method: clinical testing. Allele origin: germline.
Comment: The p.C64R pathogenic mutation (also known as c.190T>C), located in coding exon 3 of the BRCA1 gene, results from a T to C substitution at nucleotide position 190. The cysteine at codon 64 is replaced by arginine, an amino acid with highly dissimilar properties. This mutation is located in the highly conserved RING-finger motif of BRCA1, has been observed to segregate with disease in multiple breast and ovarian cancer families, and has been described as an Italian founder mutation (Jakubowska A et al. Hum. Mutat. 2001;18:149&ndash;156; Willems P et al. Int J Oncol. 2009;34(4):1005-15; Marchina E et al. Oncol Rep. 2010;24(6):1661-7; Caleca L et al. PLoS ONE, 2014 Feb;9:e86924). One functional study found that this nucleotide substitution is non-functional in a high-throughput, genome editing, haploid cell survival assay (Findlay GM et al. Nature, 2018 10;562:217-222). In addition, other functional studies have shown that p.C64R adversely affects the BRCA1/BARD1 complex formation, and leads to increased sensitivity to ionizing radiation and chromosomal instability (Caleca L et al. PLoS ONE, 2014 Feb;9:e86924; Cochran RL et al. Oncotarget, 2015 Sep;6:25240-51). Of note, this variant is also referred to as 309T>C in published literature. This amino acid position is highly conserved in available vertebrate species. In addition, this alteration is predicted to be deleterious by in silico analysis. This variant is considered to be rare based on population cohorts in the Genome Aggregation Database (gnomAD). Based on the supporting evidence, this variant is interpreted as a disease-causing mutation.

Revvity Omics, Revvity
Classification: Pathogenic. Last evaluated: 2025-07-01. Review status: criteria provided, single submitter. Criteria: ACMG Guidelines, 2015. Collection method: clinical testing. Allele origin: germline.

Quest Diagnostics Nichols Institute San Juan Capistrano
Classification: Pathogenic. Last evaluated: 2024-11-07. Review status: criteria provided, single submitter. Criteria: Quest Diagnostics criteria. Collection method: clinical testing. Allele origin: unknown.
Comment: The BRCA1 c.190T>C (p.Cys64Arg) variant has been reported in the published as a founder variant in hereditary breast and ovarian cancer (HBOC) families in the Italian population (PMIDs: 19287957 (2009), 24516540 (2014)). This variant has also been observed in individuals of varying ethnicities with personal or family histories of breast and/or ovarian cancer (PMIDs: 28111427 (2017), 29446198 (2018), 29752822 (2018), 30726305 (2019), 30972954 (2019), 34072659 (2021), 35980532 (2022), 38386807 (2024)). Assessment of experimental evidence suggests this variant results in abnormal protein function (PMIDs: 24516540 (2014), 25823446 (2015), 26246475 (2015)). The variant is located in a region that is considered important for protein function and/or structure (PMID: 11573085 (2001)). This variant has not been reported in large, multi-ethnic general populations (Genome Aggregation Database). Analysis of this variant using bioinformatics tools for the prediction of the effect of amino acid changes on protein structure and function yielded predictions that this variant is damaging. Based on the available information, this variant is classified as pathogenic.

NM_007294.4(BRCA1):c.190T>C (p.Cys64Arg)

Gene: BRCA1 (BRCA1 DNA repair associated; minus strand). Cytogenetic location: 17q21.31.
Variant type: single nucleotide variant.
Coding change: c.190T>C on transcript NM_007294.4 (MANE Select); coding-DNA position 190, T replaced by C.
Protein change: p.Cys64Arg; replaces cysteine 64 with arginine.
Molecular consequence: missense variant. On other transcripts: non-coding transcript variant (1).
Genome position (GRCh38, 1-based): chr17:43,106,478, A>G on the plus strand (T>C on the coding strand, the complement: BRCA1 is on the minus strand). VCF-style: chr17-43106478-A-G. GRCh37 (hg19) VCF-style: chr17-41258495-A-G.
Other names: 309T>C; c.190T>C, p.Cys64Arg (NM_001407623.1, NM_001407624.1, NM_001407625.1 and 168 more transcripts); c.49T>C, p.Cys17Arg (NM_001407692.1, NM_001407694.1, NM_001407695.1 and 99 more transcripts); c.2T>C, p.Met1Thr (NM_001407853.1, NM_001407879.1, NM_001407881.1 and 58 more transcripts); short protein forms C64R, C17R, M1T.
Identifiers: ClinVar variation 54394 (VCV000054394.54), dbSNP rs80357064, ClinGen allele CA001249.